The following is an entry in ClinVar:

NM_021830.5(TWNK):c.2026C>G (p.Gln676Glu)

Gene: TWNK (twinkle mtDNA helicase; plus strand). Cytogenetic location: 10q24.31.
Variant type: single nucleotide variant.
Coding change: c.2026C>G on transcript NM_021830.5 (MANE Select); coding-DNA position 2026, C replaced by G.
Protein change: p.Gln676Glu; replaces glutamine 676 with glutamic acid.
Molecular consequence: missense variant. On other transcripts: 3 prime UTR variant (2), non-coding transcript variant (5).
Genome position (GRCh38, 1-based): chr10:100,993,481, C>G. VCF-style: chr10-100993481-C-G. GRCh37 (hg19) VCF-style: chr10-102753238-C-G.
Other names: c.*321C>G (NM_001163812.2, NM_001163814.2); c.664C>G, p.Gln222Glu (NM_001163813.2, NM_001368275.1); c.2026C>G (NM_021830.4); short protein forms Q676E, Q222E.
Identifiers: ClinVar variation 2159977 (VCV002159977.5), dbSNP rs761569674, ClinGen allele CA5653392.

ClinVar aggregate classification (germline): Uncertain significance. Review status: criteria provided, multiple submitters, no conflicts (2 of 4 stars). 2 submissions from 2 submitters: Uncertain significance (2). Last evaluated 2026-01-08.

Conditions:
TWNK-related disorder. Also called: TWNK-related condition.

Allele frequency attached by ClinVar (database versions not stated): gnomAD exomes below 0.00001; TOPMed below 0.00001; ExAC 0.00001; gnomAD 0.00002.
gnomAD v4.1: 12 of 1,614,072 alleles (0.00074%); highest among the groups gnomAD compares: East Asian, 0.0067%; no homozygotes.

Submissions (2):

Labcorp Genetics (formerly Invitae), Labcorp
Classification: Uncertain significance. Last evaluated: 2026-01-08. Review status: criteria provided, single submitter. Criteria: Invitae Variant Classification Sherloc (09022015). Collection method: clinical testing. Allele origin: germline.
Comment: This sequence change replaces glutamine, which is neutral and polar, with glutamic acid, which is acidic and polar, at codon 676 of the TWNK protein (p.Gln676Glu). This variant is present in population databases (rs761569674, gnomAD 0.01%). This variant has not been reported in the literature in individuals affected with TWNK-related conditions. ClinVar contains an entry for this variant (Variation ID: 2159977). Invitae Evidence Modeling of protein sequence and biophysical properties (such as structural, functional, and spatial information, amino acid conservation, physicochemical variation, residue mobility, and thermodynamic stability) indicates that this missense variant is not expected to disrupt TWNK protein function with a negative predictive value of 95%. In summary, the available evidence is currently insufficient to determine the role of this variant in disease. Therefore, it has been classified as a Variant of Uncertain Significance.

PreventionGenetics, part of Exact Sciences
Classification: Uncertain significance for TWNK-related condition. Last evaluated: 2024-12-17. Review status: criteria provided, single submitter. Criteria: ACMG Guidelines, 2015. Collection method: clinical testing. Allele origin: germline.
Comment: The TWNK c.2026C>G variant is predicted to result in the amino acid substitution p.Gln676Glu. To our knowledge, this variant has not been reported in the literature. This variant is reported in 0.011% of alleles in individuals of East Asian descent in gnomAD. At this time, the clinical significance of this variant is uncertain due to the absence of conclusive functional and genetic evidence.